The following is an entry in ClinVar:

NM_002875.5(RAD51):c.988A>G (p.Asn330Asp)

Gene: RAD51 (RAD51 recombinase; plus strand). Cytogenetic location: 15q15.1.
Variant type: single nucleotide variant.
Coding change: c.988A>G on transcript NM_002875.5 (MANE Select); coding-DNA position 988, A replaced by G.
Protein change: p.Asn330Asp; replaces asparagine 330 with aspartic acid.
Molecular consequence: missense variant. On other transcripts: 3 prime UTR variant (1).
Genome position (GRCh38, 1-based): chr15:40,731,146, A>G. VCF-style: chr15-40731146-A-G. GRCh37 (hg19) VCF-style: chr15-41023344-A-G.
Other names: c.991A>G, p.Asn331Asp (NM_001164269.2, NM_133487.4); c.*23A>G (NM_001164270.2); short protein forms N331D, N330D.
Identifiers: ClinVar variation 1768495 (VCV001768495.2), dbSNP rs2504538059, ClinGen allele CA391761166.

ClinVar aggregate classification (germline): Uncertain significance (1 of 4 stars; one submission).

Conditions:
Inborn genetic diseases. Identifiers: MedGen C0950123, MeSH D030342.

Submission:

Ambry Genetics
Classification: Uncertain significance for Inborn genetic diseases. Last evaluated: 2021-09-30. Review status: criteria provided, single submitter. Criteria: Ambry Variant Classification Scheme 2023. Collection method: clinical testing. Allele origin: germline.
Comment: The p.N330D variant (also known as c.988A>G), located in coding exon 9 of the RAD51 gene, results from an A to G substitution at nucleotide position 988. The asparagine at codon 330 is replaced by aspartic acid, an amino acid with highly similar properties. This amino acid position is conserved. In addition, this alteration is predicted to be tolerated by in silico analysis. Since supporting evidence is limited at this time, the clinical significance of this alteration remains unclear.